The following is an entry in ClinVar:

ClinVar aggregate classification (germline): Uncertain significance (1 of 4 stars; one submission).

Conditions:
Fanconi anemia (FA). Also called: Fanconi's anemia. Identifiers: Orphanet 84, MedGen C0015625, MeSH D005199, MONDO:0019391.

Allele frequency attached by ClinVar (database versions not stated): gnomAD exomes below 0.00001; ExAC 0.00001.
gnomAD v4.1: 1 of 1,612,470 alleles (0.000062%); highest among the groups gnomAD compares: Non-Finnish European, 0.000085%; no homozygotes.

Submission:

Labcorp Genetics (formerly Invitae), Labcorp
Classification: Uncertain significance for Fanconi anemia. Last evaluated: 2022-04-04. Review status: criteria provided, single submitter. Criteria: Invitae Variant Classification Sherloc (09022015). Collection method: clinical testing. Allele origin: germline.
Comment: In summary, the available evidence is currently insufficient to determine the role of this variant in disease. Therefore, it has been classified as a Variant of Uncertain Significance. Algorithms developed to predict the effect of missense changes on protein structure and function (SIFT, PolyPhen-2, Align-GVGD) all suggest that this variant is likely to be tolerated. This variant has not been reported in the literature in individuals affected with FANCI-related conditions. This variant is present in population databases (rs753059359, gnomAD 0.0009%). This sequence change replaces serine, which is neutral and polar, with proline, which is neutral and non-polar, at codon 629 of the FANCI protein (p.Ser629Pro).

NM_001113378.2(FANCI):c.1885T>C (p.Ser629Pro)

Gene: FANCI (FA complementation group I; plus strand). Cytogenetic location: 15q26.1.
Variant type: single nucleotide variant.
Coding change: c.1885T>C on transcript NM_001113378.2 (MANE Select); coding-DNA position 1885, T replaced by C.
Protein change: p.Ser629Pro; replaces serine 629 with proline.
Molecular consequence: missense variant.
Genome position (GRCh38, 1-based): chr15:89,290,276, T>C. VCF-style: chr15-89290276-T-C. GRCh37 (hg19) VCF-style: chr15-89833507-T-C.
Other names: c.1606T>C, p.Ser536Pro (NM_001376910.1); c.1885T>C, p.Ser629Pro (NM_001376911.1, NM_018193.3); short protein forms S536P, S629P.
Identifiers: ClinVar variation 1414068 (VCV001414068.8), dbSNP rs753059359, ClinGen allele CA7723192.